The following is an entry in ClinVar:

NM_001111125.3(IQSEC2):c.587C>A (p.Pro196Gln)

Gene: IQSEC2 (IQ motif and Sec7 domain ArfGEF 2; minus strand). Cytogenetic location: Xp11.22.
Variant type: single nucleotide variant.
Coding change: c.587C>A on transcript NM_001111125.3 (MANE Select); coding-DNA position 587, C replaced by A.
Protein change: p.Pro196Gln; replaces proline 196 with glutamine.
Molecular consequence: missense variant.
Genome position (GRCh38, 1-based): chrX:53,320,537, G>T on the plus strand (C>A on the coding strand, the complement: IQSEC2 is on the minus strand). VCF-style: chrX-53320537-G-T. GRCh37 (hg19) VCF-style: chrX-53349735-G-T.
Other names: short protein forms P196Q.
Identifiers: ClinVar variation 1699583 (VCV001699583.2), dbSNP rs2075419503, ClinGen allele CA413239021.

ClinVar aggregate classification (germline): Uncertain significance (1 of 4 stars; one submission).

Allele frequency attached by ClinVar (database versions not stated): TOPMed 0.00001.

Submission:

GeneDx
Classification: Uncertain significance. Last evaluated: 2022-02-01. Review status: criteria provided, single submitter. Criteria: GeneDx Variant Classification Process June 2021. Collection method: clinical testing. Allele origin: germline. Affected: yes.
Comment: Not observed at significant frequency in large population cohorts (gnomAD); In silico analysis supports that this missense variant does not alter protein structure/function; Has not been previously published as pathogenic or benign to our knowledge